The following is an entry in ClinVar:

NM_000642.3(AGL):c.1424G>T (p.Gly475Val)

Gene: AGL (amylo-alpha-1,6-glucosidase and 4-alpha-glucanotransferase; plus strand). Cytogenetic location: 1p21.2.
Variant type: single nucleotide variant.
Coding change: c.1424G>T on transcript NM_000642.3 (MANE Select); coding-DNA position 1424, G replaced by T.
Protein change: p.Gly475Val; replaces glycine 475 with valine.
Molecular consequence: missense variant.
Genome position (GRCh38, 1-based): chr1:99,877,641, G>T. VCF-style: chr1-99877641-G-T. GRCh37 (hg19) VCF-style: chr1-100343197-G-T.
Other names: c.1424G>T, p.Gly475Val (NM_000028.3, NM_000643.3, NM_000644.3 and 2 more transcripts); c.1376G>T, p.Gly459Val (NM_000646.3); c.1223G>T, p.Gly408Val (NM_001425327.1); c.1220G>T, p.Gly407Val (NM_001425328.1, NM_001425329.1); c.1046G>T, p.Gly349Val (NM_001425332.1); short protein forms G475V, G459V, G349V, G407V, G408V.
Identifiers: ClinVar variation 526577 (VCV000526577.10), dbSNP rs538916479, ClinGen allele CA966499.

ClinVar aggregate classification (germline): Uncertain significance. Review status: criteria provided, multiple submitters, no conflicts (2 of 4 stars). 4 submissions from 4 submitters: Uncertain significance (3). 1 of the submissions does not count toward it. Last evaluated 2026-01-15.

Conditions:
Glycogen storage disease type III (GSD3). Also called: Cori disease; FORBES DISEASE. Identifiers: Orphanet 366, MedGen C0017922, MONDO:0009291, OMIM 232400.
Inborn genetic diseases. Identifiers: MedGen C0950123, MeSH D030342.

Allele frequency attached by ClinVar (database versions not stated): ExAC 0.00002; TOPMed 0.00007; gnomAD 0.00009; 1000 Genomes Project 30x 0.00016; 1000 Genomes Project 0.00020.
gnomAD v4.1: 22 of 1,613,782 alleles (0.0014%); highest among the groups gnomAD compares: African/African-American, 0.025%; no homozygotes.

Submissions (4):

Labcorp Genetics (formerly Invitae), Labcorp
Classification: Uncertain significance for Glycogen storage disease type III. Last evaluated: 2026-01-15. Review status: criteria provided, single submitter. Criteria: Invitae Variant Classification Sherloc (09022015). Collection method: clinical testing. Allele origin: germline.
Comment: This sequence change replaces glycine, which is neutral and non-polar, with valine, which is neutral and non-polar, at codon 475 of the AGL protein (p.Gly475Val). This variant is present in population databases (rs538916479, gnomAD 0.02%). This variant has not been reported in the literature in individuals affected with AGL-related conditions. ClinVar contains an entry for this variant (Variation ID: 526577). An algorithm developed to predict the effect of missense changes on protein structure and function (PolyPhen-2) suggests that this variant is likely to be tolerated. Algorithms developed to predict the effect of sequence changes on RNA splicing suggest that this variant may disrupt the consensus splice site. In summary, the available evidence is currently insufficient to determine the role of this variant in disease. Therefore, it has been classified as a Variant of Uncertain Significance.

Ambry Genetics
Classification: Uncertain significance for Inborn genetic diseases. Last evaluated: 2025-11-26. Review status: criteria provided, single submitter. Criteria: Ambry Variant Classification Scheme 2023. Collection method: clinical testing. Allele origin: germline.

Blueprint Genetics
Classification: Uncertain significance. Last evaluated: 2018-01-11. Review status: criteria provided, single submitter. Criteria: ACMG Guidelines, 2015. Collection method: clinical testing. Allele origin: germline.

Natera, Inc.
Classification: Uncertain significance for Glycogen storage disease type III. Last evaluated: 2020-09-16. Review status: no assertion criteria provided. Collection method: clinical testing. Allele origin: germline. Not counted in ClinVar's aggregate classification.